The following is an entry in ClinVar:

NM_000492.4(CFTR):c.529A>T (p.Ile177Phe)

Gene: CFTR (CF transmembrane conductance regulator; plus strand). Cytogenetic location: 7q31.2.
Variant type: single nucleotide variant.
Coding change: c.529A>T on transcript NM_000492.4 (MANE Select); coding-DNA position 529, A replaced by T.
Protein change: p.Ile177Phe; replaces isoleucine 177 with phenylalanine.
Molecular consequence: missense variant.
Genome position (GRCh38, 1-based): chr7:117,534,315, A>T. VCF-style: chr7-117534315-A-T. GRCh37 (hg19) VCF-style: chr7-117174369-A-T.
Other names: short protein forms I177F.
Identifiers: ClinVar variation 1343489 (VCV001343489.9), dbSNP rs1267579802, ClinGen allele CA368976466.
Genomic context (GRCh38, chr7:117,534,315, plus strand): 5'-AACTTTCCATTTTTCTTTTAGACTTTAAAGCTGTCAAGCCGTGTTCTAGATAAAATAAGT[A>T]TTGGACAACTTGTTAGTCTCCTTTCCAACAACCTGAACAAATTTGATGAAGTATGTACCT-3'
Protein context (NP_000483.3, residues 167-187): LSSRVLDKIS[Ile177Phe]GQLVSLLSNN

ClinVar aggregate classification (germline): Uncertain significance. Review status: criteria provided, multiple submitters, no conflicts (2 of 4 stars). 5 submissions from 5 submitters: Uncertain significance (5). Last evaluated 2026-06-25.

Conditions:
CFTR-related disorder (CFTR-RD). Also called: CFTR-related disorders; CFTR-related condition. Identifiers: MedGen C5924204, MONDO:7770004.
Cystic fibrosis (CF). Also called: MUCOVISCIDOSIS. Identifiers: Orphanet 586, MedGen C0010674, MONDO:0009061, OMIM 219700. Disease mechanism: loss of function.

Allele frequency attached by ClinVar (database versions not stated): gnomAD 0.00001; TOPMed 0.00001.
gnomAD v4.1: 14 of 1,605,318 alleles (0.00087%); highest among the groups gnomAD compares: Non-Finnish European, 0.0012%; no homozygotes.

Submissions (5):

Ambry Genetics
Classification: Uncertain significance for Cystic fibrosis. Last evaluated: 2026-06-25. Review status: criteria provided, single submitter. Criteria: Ambry Variant Classification Scheme 2023. Collection method: clinical testing. Allele origin: germline.
Comment: The p.I177F variant (also known as c.529A>T), located in coding exon 5 of the CFTR gene, results from an A to T substitution at nucleotide position 529. The isoleucine at codon 177 is replaced by phenylalanine, an amino acid with highly similar properties. This amino acid position is not well conserved in available vertebrate species. In addition, the in silico prediction for this alteration is inconclusive. Based on the available evidence, the clinical significance of this variant remains unclear.

Women's Health and Genetics/Laboratory Corporation of America, LabCorp
Classification: Uncertain significance. Last evaluated: 2026-05-14. Review status: criteria provided, single submitter. Criteria: LabCorp Variant Classification Summary - May 2015. Collection method: clinical testing. Allele origin: germline.
Comment: Variant summary: CFTR c.529A>T (p.Ile177Phe) results in a non-conservative amino acid change in the encoded protein sequence. Algorithms developed to predict the effect of missense changes on protein structure and function all suggest that this variant is likely to be disruptive. The variant allele was found at a frequency of 1.6e-05 in 250720 control chromosomes. The available data on variant occurrences in the general population are insufficient to allow any conclusion about variant significance. c.529A>T has been reported in one heterozygous individual affected with Cystic Fibrosis, another heterozygous patient with bronchitis, with no second alleles reported and without evidence for causality, and in one heterozygous COPD patient (example: Khan_2010, Derichs_2009, Saferali_2022). These report(s) do not provide unequivocal conclusions about association of the variant with Cystic Fibrosis. To our knowledge, no experimental evidence demonstrating an impact on protein function has been reported. The following publications have been ascertained in the context of this evaluation (PMID: 20627915, 30979466, 34996830). ClinVar contains an entry for this variant (Variation ID: 1343489). Based on the evidence outlined above, the variant was classified as uncertain significance.

PreventionGenetics, part of Exact Sciences
Classification: Uncertain significance for CFTR-related condition. Last evaluated: 2025-10-06. Review status: criteria provided, single submitter. Criteria: ACMG Guidelines, 2015. Collection method: clinical testing. Allele origin: germline.
Comment: The CFTR c.529A>T variant is predicted to result in the amino acid substitution p.Ile177Phe. This variant has been reported in an individual with cystic fibrosis (Khan et al. 2019. PubMed ID: 30979466), an individual with possible cystic fibrosis (Derichs et al. 2010. PubMed ID: 20627915), and in an individual with chronic bronchitis (Supplementary Table 1, Saferali et al. 2022. PubMed ID: 34996830). This variant is reported in 0.0039% of alleles in individuals of European (Non-Finnish) descent in gnomAD. At this time, the clinical significance of this variant is uncertain due to the absence of conclusive functional and genetic evidence.

ARUP Laboratories, Molecular Genetics and Genomics, ARUP Laboratories
Classification: Uncertain significance. Last evaluated: 2023-09-20. Review status: criteria provided, single submitter. Criteria: ARUP Molecular Germline Variant Investigation Process 2024. Collection method: clinical testing. Allele origin: germline.
Comment: The CFTR c.529A>T; p.Ile177Phe variant (rs1267579802) is reported in the literature in heterozygous individuals affected with bronchitis, cystic fibrosis, and COPD (Derichs 2010, Khan 2019, Saferali 2022). This variant is reported in ClinVar (Variation ID: 1343489), and is found in the non-Finnish European population with an allele frequency of 0.004% (5/128838 alleles) in the Genome Aggregation Database. Computational analyses predict that this variant is deleterious (REVEL: 0.731). Due to limited information, the clinical significance of this variant is uncertain at this time. References: Derichs N et al. Intestinal current measurement for diagnostic classification of patients with questionable cystic fibrosis: validation and reference data. Thorax. 2010 Jul;65(7):594-9. PMID: 20627915. Khan HH et al. Unusual Cystic Fibrosis Transmembrane Conductance Regulator Mutations and Liver Disease: A Case Series and Review of the Literature. Transplant Proc. 2019 Apr;51(3):790-793. PMID: 30979466. Saferali A et al. CFTR variants are associated with chronic bronchitis in smokers. Eur Respir J. 2022 Aug 10;60(2):2101994. PMID: 34996830.

Labcorp Genetics (formerly Invitae), Labcorp
Classification: Uncertain significance for Cystic fibrosis. Last evaluated: 2022-06-13. Review status: criteria provided, single submitter. Criteria: Invitae Variant Classification Sherloc (09022015). Collection method: clinical testing. Allele origin: germline.
Comment: This sequence change replaces isoleucine, which is neutral and non-polar, with phenylalanine, which is neutral and non-polar, at codon 177 of the CFTR protein (p.Ile177Phe). This variant is present in population databases (no rsID available, gnomAD 0.004%). This missense change has been observed in individual(s) with clinical features of cystic fibrosis (PMID: 20627915, 30979466). Algorithms developed to predict the effect of missense changes on protein structure and function are either unavailable or do not agree on the potential impact of this missense change (SIFT: "Deleterious"; PolyPhen-2: "Possibly Damaging"; Align-GVGD: "Class C0"). In summary, the available evidence is currently insufficient to determine the role of this variant in disease. Therefore, it has been classified as a Variant of Uncertain Significance.

Literature cited by the submitters: PubMed 20627915 (cited by Women's Health and Genetics/Laboratory Corporation of America, LabCorp and Labcorp Genetics (formerly Invitae), Labcorp); PubMed 30979466 (cited by Women's Health and Genetics/Laboratory Corporation of America, LabCorp and Labcorp Genetics (formerly Invitae), Labcorp); PubMed 34996830 (cited by Women's Health and Genetics/Laboratory Corporation of America, LabCorp).